The following is an entry in ClinVar:

NM_001127255.2(NLRP7):c.603C>T (p.Ser201=)

Gene: NLRP7 (NLR family pyrin domain containing 7; minus strand). Cytogenetic location: 19q13.42.
Variant type: single nucleotide variant.
Coding change: c.603C>T on transcript NM_001127255.2 (MANE Select); coding-DNA position 603, C replaced by T.
Protein change: p.Ser201=; no amino-acid change (serine 201 retained).
Molecular consequence: synonymous variant.
Genome position (GRCh38, 1-based): chr19:54,940,216, G>A on the plus strand (C>T on the coding strand, the complement: NLRP7 is on the minus strand). VCF-style: chr19-54940216-G-A. GRCh37 (hg19) VCF-style: chr19-55451584-G-A.
Other names: c.603C>T, p.Ser201= (NM_001405531.1, NM_139176.4, NM_206828.4).
Identifiers: ClinVar variation 893924 (VCV000893924.7), dbSNP rs7256285, ClinGen allele CA310019429.

ClinVar aggregate classification (germline): Likely benign. Review status: criteria provided, multiple submitters, no conflicts (2 of 4 stars). 2 submissions from 2 submitters: Likely benign (2). Last evaluated 2018-01-13.

Conditions:
Hydatidiform mole, recurrent, 1 (HYDM1). Identifiers: Orphanet 254688, Orphanet 99927, MedGen C3463897, MONDO:0009273, OMIM 231090. Disease mechanism: loss of function.

Allele frequency attached by ClinVar (database versions not stated): gnomAD exomes 0.00340; ExAC 0.00419; gnomAD 0.01340 and 0.01430; TOPMed 0.01498; 1000 Genomes Project 0.01538; ESP Exome Variant Server 0.01592; 1000 Genomes Project 30x 0.01655.
gnomAD v4.1: 4,011 of 1,614,202 alleles (0.25%); highest among the groups gnomAD compares: African/African-American, 4.9%; 95 homozygotes.

Submissions (2):

Illumina Laboratory Services, Illumina
Classification: Likely benign for Hydatidiform mole, recurrent, 1. Last evaluated: 2018-01-13. Review status: criteria provided, single submitter. Criteria: ICSL Variant Classification Criteria 13 December 2019. Collection method: clinical testing. Allele origin: germline.
Comment: This variant was observed in the ICSL laboratory as part of a predisposition screen in an ostensibly healthy population. It had not been previously curated by ICSL or reported in the Human Gene Mutation Database (HGMD: prior to June 1st, 2018), and was therefore a candidate for classification through an automated scoring system. Utilizing variant allele frequency, disease prevalence and penetrance estimates, and inheritance mode, an automated score was calculated to assess if this variant is too frequent to cause the disease. Based on the score and internal cut-off values, a variant classified as likely benign is not then subjected to further curation. The score for this variant resulted in a classification of likely benign for this disease.

Breakthrough Genomics
Classification: Likely benign. Review status: criteria provided, single submitter. Criteria: ACMG Guidelines, 2015. Collection method: not provided. Allele origin: germline. Inheritance: Autosomal recessive inheritance. Affected: yes.